The following is an entry in ClinVar:

NM_015107.3(PHF8):c.2704G>A (p.Glu902Lys)

Gene: PHF8 (PHD finger protein 8; minus strand). Cytogenetic location: Xp11.22.
Variant type: single nucleotide variant.
Coding change: c.2704G>A on transcript NM_015107.3 (MANE Select); coding-DNA position 2704, G replaced by A.
Protein change: p.Glu902Lys; replaces glutamic acid 902 with lysine.
Molecular consequence: missense variant.
Genome position (GRCh38, 1-based): chrX:53,940,462, C>T on the plus strand (G>A on the coding strand, the complement: PHF8 is on the minus strand). VCF-style: chrX-53940462-C-T. GRCh37 (hg19) VCF-style: chrX-53966895-C-T.
Other names: c.2812G>A, p.Glu938Lys (NM_001184896.1); c.2401G>A, p.Glu801Lys (NM_001184897.2); c.2509G>A, p.Glu837Lys (NM_001441096.1); short protein forms E902K, E938K, E801K, E837K.
Identifiers: ClinVar variation 5007583 (VCV005007583.2).

ClinVar aggregate classification (germline): Uncertain significance (1 of 4 stars; one submission).

Conditions:
Intellectual developmental disorder, X-linked, syndromic, Siderius type. Also called: Syndromic X-linked intellectual disability Siderius type. Identifiers: Orphanet 85287, MedGen C1846055, MONDO:0010286, OMIM 300263.

gnomAD v4.1: 3 of 1,208,120 alleles (0.00025%); highest among the groups gnomAD compares: Non-Finnish European, 0.00034%; no homozygotes.

Submission:

Juno Genomics, Hangzhou Juno Genomics, Inc
Classification: Uncertain significance for Intellectual developmental disorder, X-linked, syndromic, Siderius type. Review status: criteria provided, single submitter. Criteria: ACMG Guidelines, 2015. Collection method: clinical testing. Allele origin: germline.
Comment: Absent from controls (or at extremely low frequency if recessive) in Genome Aggregation Database.;Multiple lines of computational evidence support a deleterious effect on the gene or gene product.